The following is an entry in ClinVar:

NM_015338.6(ASXL1):c.3409C>T (p.Pro1137Ser)

Gene: ASXL1 (ASXL transcriptional regulator 1; plus strand). Cytogenetic location: 20q11.21.
Variant type: single nucleotide variant.
Coding change: c.3409C>T on transcript NM_015338.6 (MANE Select); coding-DNA position 3409, C replaced by T.
Protein change: p.Pro1137Ser; replaces proline 1137 with serine.
Molecular consequence: missense variant.
Genome position (GRCh38, 1-based): chr20:32,436,121, C>T. VCF-style: chr20-32436121-C-T. GRCh37 (hg19) VCF-style: chr20-31023924-C-T.
Other names: c.3226C>T, p.Pro1076Ser (NM_001363734.1); short protein forms P1076S, P1137S.
Identifiers: ClinVar variation 3793602 (VCV003793602.1).
Genomic context (GRCh38, chr20:32,436,121, plus strand): 5'-CCCCTAGAGAAGGTTCTTCCACCAGCCCACGATGACAGCATGTCAGAATCCCCACAAGTA[C>T]CACTTACAAAAGACCAGAGCCATGGCTCGCTACGCATGGGATCTTTACATGGTCTTGGAA-3'
Protein context (NP_056153.2, residues 1127-1147): DDSMSESPQV[Pro1137Ser]LTKDQSHGSL

ClinVar aggregate classification (germline): Uncertain significance (1 of 4 stars; one submission).

Conditions:
Inborn genetic diseases. Identifiers: MedGen C0950123, MeSH D030342.

Submission:

Ambry Genetics
Classification: Uncertain significance for Inborn genetic diseases. Last evaluated: 2025-02-18. Review status: criteria provided, single submitter. Criteria: Ambry Variant Classification Scheme 2023. Collection method: clinical testing. Allele origin: germline.
Comment: The p.P1137S variant (also known as c.3409C>T), located in coding exon 13 of the ASXL1 gene, results from a C to T substitution at nucleotide position 3409. The proline at codon 1137 is replaced by serine, an amino acid with similar properties. This amino acid position is conserved. In addition, this alteration is predicted to be tolerated by in silico analysis. Based on the available evidence, the clinical significance of this variant remains unclear.